The following is an entry in ClinVar:

ClinVar aggregate classification (germline): Uncertain significance (1 of 4 stars; one submission).

Allele frequency attached by ClinVar (database versions not stated): gnomAD exomes 0.00002; ESP Exome Variant Server 0.00008; TOPMed 0.00008; gnomAD 0.00007; ExAC 0.00003.
gnomAD v4.1: 46 of 1,613,696 alleles (0.0029%); highest among the groups gnomAD compares: Admixed American, 0.035%; no homozygotes.

Submission:

Ambry Genetics
Classification: Uncertain significance. Last evaluated: 2026-04-22. Review status: criteria provided, single submitter. Criteria: Ambry Variant Classification Scheme 2023. Collection method: clinical testing. Allele origin: germline.
Comment: The c.8519G>A (p.R2840H) alteration is located in exon 28 (coding exon 27) of the TNRC18 gene. This alteration results from a G to A substitution at nucleotide position 8519, causing the arginine (R) at amino acid position 2840 to be replaced by a histidine (H). Based on data from gnomAD, the A allele has an overall frequency of 0.004% (12/280130) total alleles studied. The highest observed frequency was 0.026% (9/35330) of Latino alleles. Based on insufficient or conflicting evidence, the clinical significance of this alteration remains unclear.

NM_001080495.3(TNRC18):c.8519G>A (p.Arg2840His)

Gene: TNRC18 (trinucleotide repeat containing 18; minus strand). Cytogenetic location: 7p22.1.
Variant type: single nucleotide variant.
Coding change: c.8519G>A on transcript NM_001080495.3 (MANE Select); coding-DNA position 8519, G replaced by A.
Protein change: p.Arg2840His; replaces arginine 2840 with histidine.
Molecular consequence: missense variant.
Genome position (GRCh38, 1-based): chr7:5,309,238, C>T on the plus strand (G>A on the coding strand, the complement: TNRC18 is on the minus strand). VCF-style: chr7-5309238-C-T. GRCh37 (hg19) VCF-style: chr7-5348869-C-T.
Other names: short protein forms R2840H.
Identifiers: ClinVar variation 3180672 (VCV003180672.2), dbSNP rs367586045, ClinGen allele CA4143346.